The following is an entry in ClinVar:

NM_182961.4(SYNE1):c.22590-8T>C

Gene: SYNE1 (spectrin repeat containing nuclear envelope protein 1; minus strand). Cytogenetic location: 6q25.2.
Variant type: single nucleotide variant.
Coding change: c.22590-8T>C on transcript NM_182961.4 (MANE Select); 8 bases into the intron before coding-DNA position 22590, T replaced by C.
Molecular consequence: intron variant.
Genome position (GRCh38, 1-based): chr6:152,208,214, A>G on the plus strand (T>C on the coding strand, the complement: SYNE1 is on the minus strand). VCF-style: chr6-152208214-A-G. GRCh37 (hg19) VCF-style: chr6-152529349-A-G.
Other names: c.22377-8T>C (NM_033071.5).
Identifiers: ClinVar variation 4682160 (VCV004682160.1).

ClinVar aggregate classification (germline): Uncertain significance (1 of 4 stars; one submission).

gnomAD v4.1: 2 of 1,612,174 alleles (0.00012%); highest among the groups gnomAD compares: African/African-American, 0.0013%; no homozygotes.

Submission:

Athena Diagnostics
Classification: Uncertain significance. Last evaluated: 2025-08-06. Review status: criteria provided, single submitter. Criteria: Athena Diagnostics Criteria. Collection method: clinical testing. Allele origin: unknown.
Comment: Available data are insufficient to determine the clinical significance of the variant at this time. The frequency of this variant in the general population is uninformative in assessment of its pathogenicity. Computational tools yielded predictions that this variant is unlikely to have an effect on normal RNA splicing.